The following is an entry in ClinVar:

NM_177550.5(SLC13A5):c.1259T>C (p.Leu420Pro)

Gene: SLC13A5 (solute carrier family 13 member 5; minus strand). Cytogenetic location: 17p13.1.
Variant type: single nucleotide variant.
Coding change: c.1259T>C on transcript NM_177550.5 (MANE Select); coding-DNA position 1259, T replaced by C.
Protein change: p.Leu420Pro; replaces leucine 420 with proline.
Molecular consequence: missense variant.
Genome position (GRCh38, 1-based): chr17:6,693,060, A>G on the plus strand (T>C on the coding strand, the complement: SLC13A5 is on the minus strand). VCF-style: chr17-6693060-A-G. GRCh37 (hg19) VCF-style: chr17-6596379-A-G.
Other names: c.1259T>C, p.Leu420Pro (NM_001143838.3); c.1208T>C, p.Leu403Pro (NM_001284509.2); c.1130T>C, p.Leu377Pro (NM_001284510.2); short protein forms L403P, L377P, L420P.
Identifiers: ClinVar variation 941376 (VCV000941376.5), dbSNP rs150738356, ClinGen allele CA8331450.

ClinVar aggregate classification (germline): Uncertain significance (1 of 4 stars; one submission).

Conditions:
Developmental and epileptic encephalopathy, 25 (DEE25). Also called: Epileptic encephalopathy, early infantile, 25; Developmental and epileptic encephalopathy 25, with amelogenesis imperfecta; Epileptic encephalopathy, early infantile, 25, with amelogenesis imperfecta. Identifiers: Orphanet 442835, MedGen C4014621, MONDO:0014392, OMIM 615905.

Allele frequency attached by ClinVar (database versions not stated): gnomAD exomes below 0.00001 and 0.00004; ExAC 0.00001; TOPMed 0.00001; ESP Exome Variant Server 0.00008.
gnomAD v4.1: 54 of 1,614,162 alleles (0.0033%); highest among the groups gnomAD compares: Non-Finnish European, 0.0046%; no homozygotes.

Submission:

Labcorp Genetics (formerly Invitae), Labcorp
Classification: Uncertain significance for Developmental and epileptic encephalopathy, 25. Last evaluated: 2022-08-05. Review status: criteria provided, single submitter. Criteria: Invitae Variant Classification Sherloc (09022015). Collection method: clinical testing. Allele origin: germline.
Comment: This sequence change replaces leucine, which is neutral and non-polar, with proline, which is neutral and non-polar, at codon 420 of the SLC13A5 protein (p.Leu420Pro). This variant is present in population databases (rs150738356, gnomAD 0.007%). This variant has not been reported in the literature in individuals affected with SLC13A5-related conditions. ClinVar contains an entry for this variant (Variation ID: 941376). Algorithms developed to predict the effect of missense changes on protein structure and function (SIFT, PolyPhen-2, Align-GVGD) all suggest that this variant is likely to be disruptive. Experimental studies have shown that this missense change affects SLC13A5 function (PMID: 30054523). In summary, the available evidence is currently insufficient to determine the role of this variant in disease. Therefore, it has been classified as a Variant of Uncertain Significance.

Literature cited by the submitters: PubMed 30054523.